The following is an entry in ClinVar:

NM_007294.4(BRCA1):c.4586T>C (p.Ile1529Thr)

Gene: BRCA1 (BRCA1 DNA repair associated; minus strand). Cytogenetic location: 17q21.31.
Variant type: single nucleotide variant.
Coding change: c.4586T>C on transcript NM_007294.4 (MANE Select); coding-DNA position 4586, T replaced by C.
Protein change: p.Ile1529Thr; replaces isoleucine 1529 with threonine.
Molecular consequence: missense variant. On other transcripts: non-coding transcript variant (1).
Genome position (GRCh38, 1-based): chr17:43,074,420, A>G on the plus strand (T>C on the coding strand, the complement: BRCA1 is on the minus strand). VCF-style: chr17-43074420-A-G. GRCh37 (hg19) VCF-style: chr17-41226437-A-G.
Other names: c.4580T>C, p.Ile1527Thr (NM_001407640.1, NM_001407641.1, NM_001407642.1 and 14 more transcripts); c.4577T>C, p.Ile1526Thr (NM_001407644.1, NM_001407645.1); c.4574T>C, p.Ile1525Thr (NM_001407646.1); c.4571T>C, p.Ile1524Thr (NM_001407647.1); c.4529T>C, p.Ile1510Thr (NM_001407648.1); c.4526T>C, p.Ile1509Thr (NM_001407649.1); c.4586T>C, p.Ile1529Thr (NM_001407652.1, NM_001407684.1, NM_001407854.1 and 8 more transcripts); c.4508T>C, p.Ile1503Thr (NM_001407653.1, NM_001407654.1, NM_001407655.1); and 68 more; short protein forms I1400T, I1402T, I1417T, I1418T, I1460T, I1509T, I1510T, I1527T.
Identifiers: ClinVar variation 1741675 (VCV001741675.8), dbSNP rs1597836187, ClinGen allele CA10592340.
Genomic context (GRCh38, chr17:43,074,420, plus strand): 5'-TCCGTCAAATCGTGTGGCCCAGACTCTTCCAGCTGTTGCTCCTCCACATCAACAACCTTA[A>G]TGAGCTCCTCTTGAGATGGGTAGTTTCTATTCTGAAGACTCCCAGAGCAACTGTGCATGT-3'
Protein context (NP_009225.1, residues 1519-1539): NRNYPSQEEL[Ile1529Thr]KVVDVEEQQL

ClinVar aggregate classification (germline): Uncertain significance. Review status: criteria provided, multiple submitters, no conflicts (2 of 4 stars). 2 submissions from 2 submitters: Uncertain significance (2). Last evaluated 2024-07-03.

Conditions:
Hereditary cancer-predisposing syndrome. Also called: Hereditary Cancer Syndrome; Hereditary neoplastic syndrome; Neoplastic Syndromes, Hereditary; Tumor predisposition. Identifiers: Orphanet 140162, MedGen C0027672, MeSH D009386, MONDO:0015356.
Hereditary breast ovarian cancer syndrome. Also called: Hereditary breast and ovarian cancer syndrome (HBOC); Hereditary breast and ovarian cancer syndrome; Breast and ovarian cancer; Hereditary breast and/or ovarian cancer syndrome; Hereditary breast and ovarian cancer; BRCA1- and BRCA2-Associated Hereditary Breast and Ovarian Cancer. Identifiers: Orphanet 145, MedGen C0677776, MeSH D061325, MONDO:0003582. Disease mechanism: loss of function.

Allele frequency attached by ClinVar (database versions not stated): gnomAD exomes below 0.00001.
gnomAD v4.1: 1 of 1,614,150 alleles (0.000062%); no homozygotes.

Submissions (2):

Ambry Genetics
Classification: Uncertain significance for Hereditary cancer-predisposing syndrome. Last evaluated: 2024-07-03. Review status: criteria provided, single submitter. Criteria: Ambry Variant Classification Scheme 2023. Collection method: clinical testing. Allele origin: germline.
Comment: The p.I1529T variant (also known as c.4586T>C), located in coding exon 13 of the BRCA1 gene, results from a T to C substitution at nucleotide position 4586. The isoleucine at codon 1529 is replaced by threonine, an amino acid with similar properties. This amino acid position is not well conserved in available vertebrate species. In addition, the in silico prediction for this alteration is inconclusive. Since supporting evidence is limited at this time, the clinical significance of this alteration remains unclear.

Labcorp Genetics (formerly Invitae), Labcorp
Classification: Uncertain significance for Hereditary breast ovarian cancer syndrome. Last evaluated: 2023-07-16. Review status: criteria provided, single submitter. Criteria: Invitae Variant Classification Sherloc (09022015). Collection method: clinical testing. Allele origin: germline.
Comment: In summary, the available evidence is currently insufficient to determine the role of this variant in disease. Therefore, it has been classified as a Variant of Uncertain Significance. Advanced modeling of protein sequence and biophysical properties (such as structural, functional, and spatial information, amino acid conservation, physicochemical variation, residue mobility, and thermodynamic stability) performed at Invitae indicates that this missense variant is not expected to disrupt BRCA1 protein function. ClinVar contains an entry for this variant (Variation ID: 1741675). This variant has not been reported in the literature in individuals affected with BRCA1-related conditions. This variant is not present in population databases (gnomAD no frequency). This sequence change replaces isoleucine, which is neutral and non-polar, with threonine, which is neutral and polar, at codon 1529 of the BRCA1 protein (p.Ile1529Thr).